The following is an entry in ClinVar:

ClinVar aggregate classification (germline): Conflicting classifications of pathogenicity. Review status: criteria provided, conflicting classifications (1 of 4 stars). 4 submissions from 4 submitters: Pathogenic (1); Likely pathogenic (1); Uncertain significance (2). Last evaluated 2024-04-18.

Conditions:
Neurofibromatosis-Noonan syndrome (NFNS). Also called: NEUROFIBROMATOSIS WITH NOONAN PHENOTYPE. Identifiers: Orphanet 638, MedGen C2931482, MONDO:0011035, OMIM 601321. Disease mechanism: loss of function.
Café-au-lait macules with pulmonary stenosis (WTSN). Also called: PULMONIC STENOSIS WITH CAFE-AU-LAIT SPOTS. Identifiers: MedGen C0553586, MONDO:0008672, OMIM 193520.
Neurofibromatosis, familial spinal (FSNF). Identifiers: Orphanet 636, MedGen C1834235, MONDO:0008078, OMIM 162210. Disease mechanism: loss of function.
Juvenile myelomonocytic leukemia (JMML). Also called: LEUKEMIA, JUVENILE MYELOMONOCYTIC, SOMATIC. Identifiers: Orphanet 86834, MedGen C0349639, MONDO:0011908, OMIM 607785, HP:0012209.
Neurofibromatosis, type 1 (NF1). Also called: Peripheral type neurofibromatosis; Neurofibromatosis, type I; NEUROFIBROMATOSIS, TYPE I, SOMATIC; VON RECKLINGHAUSEN DISEASE. Identifiers: Orphanet 636, MedGen C0027831, MONDO:0018975, OMIM 162200. Disease mechanism: loss of function.

gnomAD v4.1: 1 of 1,521,762 alleles (0.000066%); highest among the groups gnomAD compares: Non-Finnish European, 0.000089%; no homozygotes.

Submissions (4):

Fulgent Genetics
Classification: Likely pathogenic for Neurofibromatosis, type 1; Neurofibromatosis, familial spinal; Café-au-lait macules with pulmonary stenosis; Neurofibromatosis-Noonan syndrome; Juvenile myelomonocytic leukemia. Last evaluated: 2024-04-18. Review status: criteria provided, single submitter. Criteria: ACMG Guidelines, 2015. Collection method: clinical testing. Allele origin: germline.

Baylor Genetics
Classification: Uncertain significance for Juvenile myelomonocytic leukemia. Last evaluated: 2023-05-03. Review status: criteria provided, single submitter. Criteria: ACMG Guidelines, 2015. Collection method: clinical testing. Allele origin: unknown.

UAB Medical Genomics Laboratory, UAB Medicine
Classification: Pathogenic for Neurofibromatosis, type 1. Last evaluated: 2020-01-20. Review status: criteria provided, single submitter. Criteria: ACMG Guidelines, 2015. Collection method: clinical testing. Allele origin: germline. Affected: yes.

Juno Genomics, Hangzhou Juno Genomics, Inc
Classification: Uncertain significance for Juvenile myelomonocytic leukemia; Neurofibromatosis, familial spinal; Neurofibromatosis, type 1; Neurofibromatosis-Noonan syndrome; Café-au-lait macules with pulmonary stenosis. Review status: criteria provided, single submitter. Criteria: ACMG Guidelines, 2015. Collection method: clinical testing. Allele origin: germline. Affected: yes.
Comment: Absent from controls (or at extremely low frequency if recessive) in Genome Aggregation Database, Exome Sequencing Project, 1000 Genomes Project, or Exome Aggregation Consortium.;The prevalence of the variant in affected individuals is significantly increased compared to the prevalence in controls.;Patient's phenotype or family history is highly specific for a disease with a single genetic etiology.

Literature cited by the submitters: PubMed 32126153 (cited by UAB Medical Genomics Laboratory, UAB Medicine).

NM_001042492.3(NF1):c.6148-16T>G

Gene: NF1 (neurofibromin 1; plus strand). Cytogenetic location: 17q11.2.
Variant type: single nucleotide variant.
Coding change: c.6148-16T>G on transcript NM_001042492.3 (MANE Select); 16 bases into the intron before coding-DNA position 6148, T replaced by G.
Molecular consequence: intron variant.
Genome position (GRCh38, 1-based): chr17:31,336,619, T>G. VCF-style: chr17-31336619-T-G. GRCh37 (hg19) VCF-style: chr17-29663637-T-G.
Other names: c.6085-16T>G (NM_000267.4).
Identifiers: ClinVar variation 816733 (VCV000816733.6), dbSNP rs769223408, ClinGen allele CA8487323.
Genomic context (GRCh38, chr17:31,336,619, plus strand): 5'-AAACTGAACTTTTTTGTGCTAAAACTTTGAGTCCCATGTTTTTTTTTTTAAAAAAAAAAA[T>G]CCTGCTTCTTTACAGGTTATTGGAAGGATGTGCAAAATAATTGACAAGACATGCTTATCT-3'